The following is an entry in ClinVar:

NM_001374828.1(ARID1B):c.1940del (p.Gly647fs)

Gene: ARID1B (AT-rich interaction domain 1B; plus strand). Cytogenetic location: 6q25.3.
Variant type: Deletion.
Coding change: c.1940del on transcript NM_001374828.1 (MANE Select); coding-DNA position 1940, one base deleted (G; older notation c.1940delG).
Protein change: p.Gly647fs; shifts the reading frame from glycine 647.
Molecular consequence: frameshift variant.
Genome position (GRCh38, 1-based): chr6:156,829,375, G deleted; the last of 3 consecutive G bases (chr6:156,829,373-156,829,375); deleting any one gives the same sequence. VCF-style (leftmost placement, unchanged base first): chr6-156829372-AG-A. GRCh37 (hg19) VCF-style: chr6-157150506-AG-A.
Other names: c.1691delG, p.Gly564Valfs (NM_001346813.1, NM_020732.3); c.1940del, p.Gly647fs (NM_001371656.1, NM_001374820.1, NM_017519.3); c.1517delG, p.Gly506Valfs (NM_175863.2); short protein forms G647fs.
Identifiers: ClinVar variation 2921065 (VCV002921065.1), dbSNP rs2547124143, ClinGen allele CA2739266206.

ClinVar aggregate classification (germline): Pathogenic (1 of 4 stars; one submission).

Conditions:
Coffin-Siris syndrome 1 (CSS1). Also called: ARID1B-Related Coffin-Siris Syndrome; Mental retardation, autosomal dominant 12. Identifiers: Orphanet 1465, MedGen C3281201, MONDO:0007617, OMIM 135900. Disease mechanism: gain of function.

Submission:

ARUP Laboratories, Molecular Genetics and Genomics, ARUP Laboratories
Classification: Pathogenic for Coffin-Siris syndrome 1. Last evaluated: 2023-09-14. Review status: criteria provided, single submitter. Criteria: ARUP Molecular Germline Variant Investigation Process 2024. Collection method: clinical testing. Allele origin: germline.
Comment: The ARID1B c.1940del; p.Gly647ValfsTer29 variant, to our knowledge, is not reported in the medical literature or gene specific databases. This variant is absent from the Genome Aggregation Database (v2.1.1), indicating it is not a common polymorphism. This variant causes a frameshift by deleting a single nucleotide, so it is predicted to result in a truncated protein or mRNA subject to nonsense-mediated decay. Other truncating variants in this exon have been reported in individuals with Coffin-Siris syndrome and are considered pathogenic (van der Sluijs 2019). Based on available information, this variant is considered to be pathogenic. References: van der Sluijs PJ et al. The ARID1B spectrum in 143 patients: from nonsyndromic intellectual disability to Coffin-Siris syndrome. Genet Med. 2019 Jun;21(6):1295-1307. PMID: 30349098.